The following is an entry in ClinVar:

NM_000169.3(GLA):c.1018T>C (p.Trp340Arg)

Genes: GLA (galactosidase alpha; minus strand), RPL36A-HNRNPH2 (RPL36A-HNRNPH2 readthrough; plus strand). Cytogenetic location: Xq22.1.
Variant type: single nucleotide variant.
Coding change: c.1018T>C on transcript NM_000169.3 (MANE Select); coding-DNA position 1018, T replaced by C.
Protein change: p.Trp340Arg; replaces tryptophan 340 with arginine.
Molecular consequence: missense variant. On other transcripts: non-coding transcript variant (3), intron variant (2).
Genome position (GRCh38, 1-based): chrX:101,398,081, A>G on the plus strand (T>C on the coding strand, the complement: GLA is on the minus strand). VCF-style: chrX-101398081-A-G. GRCh37 (hg19) VCF-style: chrX-100653069-A-G.
Other names: c.1141T>C, p.Trp381Arg (NM_001406747.1); c.300+2624A>G (NM_001199973.2); c.177+6259A>G (NM_001199974.2); short protein forms W340R, W381R.
Identifiers: ClinVar variation 546086 (VCV000546086.17), dbSNP rs1555984869, ClinGen allele CA413921215.

ClinVar aggregate classification (germline): Pathogenic/Likely pathogenic. Review status: criteria provided, multiple submitters, no conflicts (2 of 4 stars). 5 submissions from 5 submitters: Pathogenic (1); Likely pathogenic (4). Last evaluated 2026-09-08.

Conditions:
Fabry disease. Also called: Fabry's disease; ALPHA-GALACTOSIDASE A DEFICIENCY; ANDERSON-FABRY DISEASE; Ceramide trihexosidosis; Angiokeratoma corporis diffusum; CERAMIDE TRIHEXOSIDASE DEFICIENCY. Identifiers: Orphanet 324, MedGen C0002986, MONDO:0010526, OMIM 301500, HP:0001071. Disease mechanism: loss of function, Fabry disease is due to inactivating mutations in the X-linked GLA gene resulting in deficiency of the enzyme Alpha Galactosidase-A..

Submissions (5):

Genomenon, Inc
Classification: Likely pathogenic for Fabry disease. Last evaluated: 2026-09-08. Review status: criteria provided, single submitter. Criteria: Genomenon Sequence Variant Interpretation Standards - Updated. Collection method: curation. Allele origin: germline. Affected: yes.
Comment: GLA p.Trp340Arg (c.1018T>C) is a missense variant that changes the amino acid at codon 340 from Tryptophan to Arginine. This variant has been observed in at least one proband with clinical features consistent with Fabry disease (PMID:11804208;37703724). At least one functional study has demonstrated a substantial alteration in protein function relative to the wild-type (PMID:27657681). It is absent or not present at a significant frequency in gnomAD. In silico models predict that this variant is possibly or probably damaging. In conclusion, we classify GLA p.Trp340Arg (c.1018T>C) as a likely pathogenic variant.

Women's Health and Genetics/Laboratory Corporation of America, LabCorp
Classification: Likely pathogenic for Fabry disease. Last evaluated: 2025-02-10. Review status: criteria provided, single submitter. Criteria: LabCorp Variant Classification Summary - May 2015. Collection method: clinical testing. Allele origin: germline.
Comment: Variant summary: GLA c.1018T>C (p.Trp340Arg) results in a non-conservative amino acid change in the encoded protein sequence. Five of five in-silico tools predict a damaging effect of the variant on protein function. The variant was absent in 182951 control chromosomes. c.1018T>C has been reported in the literature in individuals affected with Fabry Disease (Winter_2023, Labcorp (formerly Invitae). These data indicate that the variant may be associated with disease. At least one publication reports experimental evidence evaluating an impact on protein function. The most pronounced variant effect results in absent Gal A activity (Benjamin_2017). The following publications have been ascertained in the context of this evaluation (PMID: 8875188, 11804208, 37703724, 27657681). ClinVar contains an entry for this variant (Variation ID: 546086). Based on the evidence outlined above, the variant was classified as likely pathogenic.

Genome-Nilou Lab
Classification: Likely pathogenic for Fabry disease. Last evaluated: 2021-07-15. Review status: criteria provided, single submitter. Criteria: ACMG Guidelines, 2015. Collection method: clinical testing. Allele origin: germline. Affected: no.

Labcorp Genetics (formerly Invitae), Labcorp
Classification: Pathogenic for Fabry disease. Last evaluated: 2020-02-13. Review status: criteria provided, single submitter. Criteria: Invitae Variant Classification Sherloc (09022015). Collection method: clinical testing. Allele origin: germline.
Comment: This sequence change replaces tryptophan with arginine at codon 340 of the GLA protein (p.Trp340Arg). The tryptophan residue is highly conserved and there is a moderate physicochemical difference between tryptophan and arginine. This variant is not present in population databases (ExAC no frequency). ClinVar contains an entry for this variant (Variation ID: 546086). Algorithms developed to predict the effect of missense changes on protein structure and function (SIFT, PolyPhen-2, Align-GVGD) all suggest that this variant is likely to be disruptive, but these predictions have not been confirmed by published functional studies and their clinical significance is uncertain. This variant disrupts the p.Trp340 amino acid residue in GLA. Other variant(s) that disrupt this residue have been determined to be pathogenic (PMID: 27896102). This suggests that this residue is clinically significant, and that variants that disrupt this residue are likely to be disease-causing. For these reasons, this variant has been classified as Pathogenic.

GeneDx
Classification: Likely pathogenic. Last evaluated: 2018-05-17. Review status: criteria provided, single submitter. Criteria: GeneDx Variant Classification (06012015). Collection method: clinical testing. Allele origin: germline. Affected: yes.
Comment: The W340R variant has previously been reported in association with Fabry disease (Whybra et al., 2001). Functional analysis of W340R found that it is associated with no detectable residual enzyme activity (Benjamin et al., 2017). The W340R variant is not observed in large population cohorts (Lek et al., 2016). The W340R variant is a non-conservative amino acid substitution, which is likely to impact secondary protein structure as these residues differ in polarity, charge, size and/or other properties. In-silico analyses, including protein predictors and evolutionary conservation, support a deleterious effect. In summary, this variant is likely pathogenic; however, the possibility that it is benign cannot be excluded.

Literature cited by the submitters: PubMed 11804208 (cited by Genomenon, Inc and Women's Health and Genetics/Laboratory Corporation of America, LabCorp); PubMed 37703724 (cited by Genomenon, Inc and Women's Health and Genetics/Laboratory Corporation of America, LabCorp); PubMed 27657681 (cited by Genomenon, Inc and Women's Health and Genetics/Laboratory Corporation of America, LabCorp); PubMed 8875188 (cited by Women's Health and Genetics/Laboratory Corporation of America, LabCorp); PubMed 27896102 (cited by Labcorp Genetics (formerly Invitae), Labcorp).